The following is an entry in ClinVar:

NM_018706.7(DHTKD1):c.227T>C (p.Leu76Pro)

Gene: DHTKD1 (dehydrogenase E1 and transketolase domain containing 1; plus strand). Cytogenetic location: 10p14.
Variant type: single nucleotide variant.
Coding change: c.227T>C on transcript NM_018706.7 (MANE Select); coding-DNA position 227, T replaced by C.
Protein change: p.Leu76Pro; replaces leucine 76 with proline.
Molecular consequence: missense variant.
Genome position (GRCh38, 1-based): chr10:12,081,544, T>C. VCF-style: chr10-12081544-T-C. GRCh37 (hg19) VCF-style: chr10-12123543-T-C.
Other names: short protein forms L76P.
Identifiers: ClinVar variation 2196675 (VCV002196675.4), dbSNP rs1183921646, ClinGen allele CA376014608.
Genomic context (GRCh38, chr10:12,081,544, plus strand): 5'-TTGCCAGGTTGGTGACAGTATATTGTGAGCATGGTCATAAAGCTGCCAAAATCAACCCCC[T>C]CTTCACCGGACAAGCCCTGCTGGAGAATGTGCCTGAAATCCAAGCCCTGGTGCAGACACT-3'
Protein context (NP_061176.4, residues 66-86): HGHKAAKINP[Leu76Pro]FTGQALLENV

ClinVar aggregate classification (germline): Uncertain significance (1 of 4 stars; one submission).

Conditions:
2-aminoadipic 2-oxoadipic aciduria (AAKAD). Also called: Aminoadipic aciduria; ALPHA-AMINOADIPIC AND ALPHA-KETOADIPIC ACIDURIA. Identifiers: Orphanet 79154, MedGen C1859817, MONDO:0008774, OMIM 204750.

Allele frequency attached by ClinVar (database versions not stated): gnomAD exomes below 0.00001; TOPMed below 0.00001; gnomAD 0.00001.
gnomAD v4.1: 9 of 1,614,002 alleles (0.00056%); highest among the groups gnomAD compares: South Asian, 0.0011%; no homozygotes.

Submission:

Labcorp Genetics (formerly Invitae), Labcorp
Classification: Uncertain significance for 2-aminoadipic 2-oxoadipic aciduria. Last evaluated: 2022-01-01. Review status: criteria provided, single submitter. Criteria: Invitae Variant Classification Sherloc (09022015). Collection method: clinical testing. Allele origin: germline.
Comment: In summary, the available evidence is currently insufficient to determine the role of this variant in disease. Therefore, it has been classified as a Variant of Uncertain Significance. Algorithms developed to predict the effect of missense changes on protein structure and function (SIFT, PolyPhen-2, Align-GVGD) all suggest that this variant is likely to be disruptive. This variant has not been reported in the literature in individuals affected with DHTKD1-related conditions. This variant is present in population databases (no rsID available, gnomAD 0.0009%). This sequence change replaces leucine, which is neutral and non-polar, with proline, which is neutral and non-polar, at codon 76 of the DHTKD1 protein (p.Leu76Pro).